The following is an entry in ClinVar:

NM_201548.5(CERKL):c.830A>G (p.Asn277Ser)

Gene: CERKL (CERK like autophagy regulator; minus strand). Cytogenetic location: 2q31.3.
Variant type: single nucleotide variant.
Coding change: c.830A>G on transcript NM_201548.5 (MANE Select); coding-DNA position 830, A replaced by G.
Protein change: p.Asn277Ser; replaces asparagine 277 with serine.
Molecular consequence: missense variant. On other transcripts: non-coding transcript variant (2).
Genome position (GRCh38, 1-based): chr2:181,549,699, T>C on the plus strand (A>G on the coding strand, the complement: CERKL is on the minus strand). VCF-style: chr2-181549699-T-C. GRCh37 (hg19) VCF-style: chr2-182414426-T-C.
Other names: c.908A>G, p.Asn303Ser (NM_001030311.3); c.491A>G, p.Asn164Ser (NM_001030312.3); c.623A>G, p.Asn208Ser (NM_001030313.3); c.776A>G, p.Asn259Ser (NM_001160277.2); short protein forms N208S, N259S, N277S, N164S, N303S.
Identifiers: ClinVar variation 972660 (VCV000972660.8), dbSNP rs200369970, ClinGen allele CA2010644.
Genomic context (GRCh38, chr2:181,549,699, plus strand): 5'-ATAATGTGCAATGTTGCAGTTATCACATGAGGAACTCCATGAAGAGAATGTGCCAATACA[T>C]TGGTAGATCCTGCCAAAGCAATTTTAAAACATGCACTATTAGGGTAGAATGTGTTCAAAC-3'
Protein context (NP_963842.1, residues 267-287): PLGLIPAGST[Asn277Ser]VLAHSLHGVP

ClinVar aggregate classification (germline): Uncertain significance. Review status: criteria provided, multiple submitters, no conflicts (2 of 4 stars). 4 submissions from 4 submitters: Uncertain significance (3). 1 of the submissions does not count toward it. Last evaluated 2026-08-04.

Conditions:
Retinitis pigmentosa 26 (RP26). Identifiers: Orphanet 791, MedGen C1842127, MONDO:0012024, OMIM 608380.
CERKL-related disorder. Also called: CERKL-related condition.

Allele frequency attached by ClinVar (database versions not stated): gnomAD 0.00003 and 0.00004; gnomAD exomes 0.00004 and 0.00021; ESP Exome Variant Server 0.00008; TOPMed 0.00015; ExAC 0.00021.
gnomAD v4.1: 62 of 1,611,152 alleles (0.0038%); highest among the groups gnomAD compares: Admixed American, 0.098%; no homozygotes.

Submissions (4):

PreventionGenetics, part of Exact Sciences
Classification: Uncertain significance for CERKL-related condition. Last evaluated: 2026-08-04. Review status: criteria provided, single submitter. Criteria: ACMG Guidelines, 2015. Collection method: clinical testing. Allele origin: germline.
Comment: The CERKL c.908A>G variant is predicted to result in the amino acid substitution p.Asn303Ser. To our knowledge, this variant has not been reported in the literature. This variant is reported in 0.15% of alleles in individuals of Latino descent in gnomAD, which may be too frequent to be a primary cause of disease. Although we suspect that this variant may be benign, at this time, the clinical significance of this variant is uncertain due to the absence of conclusive functional and genetic evidence.

Labcorp Genetics (formerly Invitae), Labcorp
Classification: Uncertain significance. Last evaluated: 2024-12-03. Review status: criteria provided, single submitter. Criteria: Invitae Variant Classification Sherloc (09022015). Collection method: clinical testing. Allele origin: germline.
Comment: This sequence change replaces asparagine, which is neutral and polar, with serine, which is neutral and polar, at codon 303 of the CERKL protein (p.Asn303Ser). This variant is present in population databases (rs200369970, gnomAD 0.1%). This variant has not been reported in the literature in individuals affected with CERKL-related conditions. ClinVar contains an entry for this variant (Variation ID: 972660). Invitae Evidence Modeling of protein sequence and biophysical properties (such as structural, functional, and spatial information, amino acid conservation, physicochemical variation, residue mobility, and thermodynamic stability) indicates that this missense variant is expected to disrupt CERKL protein function with a positive predictive value of 95%. In summary, the available evidence is currently insufficient to determine the role of this variant in disease. Therefore, it has been classified as a Variant of Uncertain Significance.

Blueprint Genetics
Classification: Uncertain significance. Last evaluated: 2022-08-30. Review status: criteria provided, single submitter. Criteria: ACMG Guidelines, 2015. Collection method: clinical testing. Allele origin: germline.

Natera, Inc.
Classification: Uncertain significance for Retinitis pigmentosa type 26. Last evaluated: 2020-09-08. Review status: no assertion criteria provided. Collection method: clinical testing. Allele origin: germline. Not counted in ClinVar's aggregate classification.